The following is an entry in ClinVar:

NM_016156.6(MTMR2):c.694G>A (p.Glu232Lys)

Gene: MTMR2 (myotubularin related protein 2; minus strand). Cytogenetic location: 11q21.
Variant type: single nucleotide variant.
Coding change: c.694G>A on transcript NM_016156.6 (MANE Select); coding-DNA position 694, G replaced by A.
Protein change: p.Glu232Lys; replaces glutamic acid 232 with lysine.
Molecular consequence: missense variant.
Genome position (GRCh38, 1-based): chr11:95,850,710, C>T on the plus strand (G>A on the coding strand, the complement: MTMR2 is on the minus strand). VCF-style: chr11-95850710-C-T. GRCh37 (hg19) VCF-style: chr11-95583874-C-T.
Other names: c.478G>A, p.Glu160Lys (NM_001243571.2, NM_201278.3, NM_201281.3); short protein forms E160K, E232K.
Identifiers: ClinVar variation 3678181 (VCV003678181.2).

ClinVar aggregate classification (germline): Uncertain significance (1 of 4 stars; one submission).

Conditions:
Charcot-Marie-Tooth disease type 4. Also called: Charcot-Marie-Tooth disease, type IV; Charcot-Marie-Tooth, Type 4. Identifiers: Orphanet 64749, MedGen C4082197, MONDO:0018995.

gnomAD v4.1: 1 of 1,613,452 alleles (0.000062%); highest among the groups gnomAD compares: Non-Finnish European, 0.000085%; no homozygotes.

Submission:

Labcorp Genetics (formerly Invitae), Labcorp
Classification: Uncertain significance for Charcot-Marie-Tooth disease type 4. Last evaluated: 2024-06-10. Review status: criteria provided, single submitter. Criteria: Invitae Variant Classification Sherloc (09022015). Collection method: clinical testing. Allele origin: germline.
Comment: This sequence change replaces glutamic acid, which is acidic and polar, with lysine, which is basic and polar, at codon 232 of the MTMR2 protein (p.Glu232Lys). This variant is not present in population databases (gnomAD no frequency). This variant has not been reported in the literature in individuals affected with MTMR2-related conditions. Advanced modeling of protein sequence and biophysical properties (such as structural, functional, and spatial information, amino acid conservation, physicochemical variation, residue mobility, and thermodynamic stability) performed at Invitae indicates that this missense variant is not expected to disrupt MTMR2 protein function with a negative predictive value of 80%. In summary, the available evidence is currently insufficient to determine the role of this variant in disease. Therefore, it has been classified as a Variant of Uncertain Significance.